The following is an entry in ClinVar:

NM_000492.4:c.(2619+1_2620-1)_(3367+1_3368-1)del

Gene: CFTR (CF transmembrane conductance regulator; plus strand).
Variant type: Deletion.
Other names: CFTRdele14b-17b; c.(2619+1_2620-1)_(3367+1_3368-1)del (NM_000492.4).
Identifiers: ClinVar variation 1706080 (VCV001706080.1).

ClinVar aggregate classification (germline): Pathogenic (1 of 4 stars; one submission).

Conditions:
Cystic fibrosis (CF). Also called: MUCOVISCIDOSIS. Identifiers: Orphanet 586, MedGen C0010674, MONDO:0009061, OMIM 219700. Disease mechanism: loss of function.

Submission:

Institute of Human Genetics, University of Leipzig Medical Center
Classification: Pathogenic for Cystic fibrosis. Last evaluated: 2022-09-05. Review status: criteria provided, single submitter. Criteria: ACMG Guidelines, 2015. Collection method: curation. Allele origin: unknown. Affected: yes. Observed: 4 variant alleles.
Comment: This variant was identified in 4 unrelated patients with a clinically confirmed diagnosis of cystic fibrosis. The variant was classified in the context of a project re-classifying variants in the German Cystic Fibrosis Registry (Muko.e.V.). Criteria applied: PVS1, PM2_SUP, PM3_STR